The following is an entry in ClinVar:

NM_153252.5(BRWD3):c.3413G>C (p.Trp1138Ser)

Gene: BRWD3 (bromodomain and WD repeat domain containing 3; minus strand). Cytogenetic location: Xq21.1.
Variant type: single nucleotide variant.
Coding change: c.3413G>C on transcript NM_153252.5 (MANE Select); coding-DNA position 3413, G replaced by C.
Protein change: p.Trp1138Ser; replaces tryptophan 1138 with serine.
Molecular consequence: missense variant.
Genome position (GRCh38, 1-based): chrX:80,691,891, C>G on the plus strand (G>C on the coding strand, the complement: BRWD3 is on the minus strand). VCF-style: chrX-80691891-C-G. GRCh37 (hg19) VCF-style: chrX-79947390-C-G.
Other names: short protein forms W1138S.
Identifiers: ClinVar variation 2579944 (VCV002579944.1), dbSNP rs2147693460, ClinGen allele CA413617786.
Genomic context (GRCh38, chrX:80,691,891, plus strand): 5'-AGAAGGTGGTTGATGCCCTGAATAACCCGTTCACATTCTTCGTCTCTGGAATGAGCCCCC[C>G]ACTCTCCTTCCTGGGGTTTGTATAGCAAAGCAGTCAATTCTTCCTGGGAGACAGGAACAC-3'
Protein context (NP_694984.5, residues 1128-1148): ALLYKPQEGE[Trp1138Ser]GAHSRDEECE

ClinVar aggregate classification (germline): Uncertain significance (1 of 4 stars; one submission).

Submission:

GeneDx
Classification: Uncertain significance. Last evaluated: 2023-03-13. Review status: criteria provided, single submitter. Criteria: GeneDx Variant Classification Process June 2021. Collection method: clinical testing. Allele origin: germline. Affected: yes.
Comment: Not observed at significant frequency in large population cohorts (gnomAD); In silico analysis supports that this missense variant has a deleterious effect on protein structure/function; Has not been previously published as pathogenic or benign to our knowledge